The following is an entry in ClinVar:

NM_002103.5(GYS1):c.1349A>T (p.Asp450Val)

Gene: GYS1 (glycogen synthase 1; minus strand). Cytogenetic location: 19q13.33.
Variant type: single nucleotide variant.
Coding change: c.1349A>T on transcript NM_002103.5 (MANE Select); coding-DNA position 1349, A replaced by T.
Protein change: p.Asp450Val; replaces aspartic acid 450 with valine.
Molecular consequence: missense variant. On other transcripts: non-coding transcript variant (1).
Genome position (GRCh38, 1-based): chr19:48,974,693, T>A on the plus strand (A>T on the coding strand, the complement: GYS1 is on the minus strand). VCF-style: chr19-48974693-T-A. GRCh37 (hg19) VCF-style: chr19-49477950-T-A.
Other names: c.1157A>T, p.Asp386Val (NM_001161587.2); short protein forms D386V, D450V.
Identifiers: ClinVar variation 2672782 (VCV002672782.23), dbSNP rs2513711521, ClinGen allele CA406761704.
Genomic context (GRCh38, chr19:48,974,693, plus strand): 5'-GCACTGCTATTGAAGAGGCCGATTCGGCGGATGGTGGTCAGGATGGGGTCTGAGGAGTCA[T>A]CCAGCATATTGTGGGTGCACACAGGGGGGAAAGACTGCCGCTGCAGGAGCCACAAGAAGG-3'
Protein context (NP_002094.2, residues 440-460): FPPVCTHNML[Asp450Val]DSSDPILTTI

ClinVar aggregate classification (germline): Uncertain significance (1 of 4 stars; one submission).

gnomAD v4.1: 1 of 1,613,912 alleles (0.000062%); highest among the groups gnomAD compares: Non-Finnish European, 0.000085%; no homozygotes.

Submission:

CeGaT Center for Human Genetics Tuebingen
Classification: Uncertain significance. Last evaluated: 2023-12-01. Review status: criteria provided, single submitter. Criteria: CeGaT Center For Human Genetics Tuebingen Variant Classification Criteria Version 2. Collection method: clinical testing. Allele origin: germline. Affected: yes. Observed: 1 variant allele.
Comment: GYS1: PM2, PP3